The following is an entry in ClinVar:

ClinVar aggregate classification (germline): Uncertain significance (1 of 4 stars; one submission).

Conditions:
Cardiovascular phenotype. Identifiers: MedGen CN230736.

Submission:

Ambry Genetics
Classification: Uncertain significance for Cardiovascular phenotype. Last evaluated: 2022-03-08. Review status: criteria provided, single submitter. Criteria: Ambry Variant Classification Scheme 2023. Collection method: clinical testing. Allele origin: germline.
Comment: The p.K635N variant (also known as c.1905G>T), located in coding exon 20 of the MYBPC3 gene, results from a G to T substitution at nucleotide position 1905. The lysine at codon 635 is replaced by asparagine, an amino acid with similar properties. This amino acid position is conserved. In addition, this alteration is predicted to be tolerated by in silico analysis. Since supporting evidence is limited at this time, the clinical significance of this alteration remains unclear.

NM_000256.3(MYBPC3):c.1905G>T (p.Lys635Asn)

Gene: MYBPC3 (myosin binding protein C3; minus strand). Cytogenetic location: 11p11.2.
Variant type: single nucleotide variant.
Coding change: c.1905G>T on transcript NM_000256.3 (MANE Select); coding-DNA position 1905, G replaced by T.
Protein change: p.Lys635Asn; replaces lysine 635 with asparagine.
Molecular consequence: missense variant.
Genome position (GRCh38, 1-based): chr11:47,341,025, C>A on the plus strand (G>T on the coding strand, the complement: MYBPC3 is on the minus strand). VCF-style: chr11-47341025-C-A. GRCh37 (hg19) VCF-style: chr11-47362576-C-A.
Other names: short protein forms K635N.
Identifiers: ClinVar variation 1782377 (VCV001782377.2), dbSNP rs2095887893, ClinGen allele CA380323363.